The following is an entry in ClinVar:

NM_022552.5(DNMT3A):c.310G>T (p.Gly104Trp)

Gene: DNMT3A (DNA methyltransferase 3 alpha; minus strand). Cytogenetic location: 2p23.3.
Variant type: single nucleotide variant.
Coding change: c.310G>T on transcript NM_022552.5 (MANE Select); coding-DNA position 310, G replaced by T.
Protein change: p.Gly104Trp; replaces glycine 104 with tryptophan.
Molecular consequence: missense variant. On other transcripts: non-coding transcript variant (1).
Genome position (GRCh38, 1-based): chr2:25,282,579, C>A on the plus strand (G>T on the coding strand, the complement: DNMT3A is on the minus strand). VCF-style: chr2-25282579-C-A. GRCh37 (hg19) VCF-style: chr2-25505448-C-A.
Other names: c.310G>T, p.Gly104Trp (NM_001320892.2, NM_175629.2, NM_175630.1); short protein forms G104W.
Identifiers: ClinVar variation 4702214 (VCV004702214.1).

ClinVar aggregate classification (germline): Uncertain significance (1 of 4 stars; one submission).

Conditions:
Tatton-Brown-Rahman overgrowth syndrome. Also called: Tall stature-intellectual disability-facial dysmorphism syndrome; Tatton-Brown-Rahman syndrome. Identifiers: Orphanet 404443, MedGen C4014545, MONDO:0014382, OMIM 615879.

Submission:

Labcorp Genetics (formerly Invitae), Labcorp
Classification: Uncertain significance for Tatton-Brown-Rahman overgrowth syndrome. Last evaluated: 2025-03-19. Review status: criteria provided, single submitter. Criteria: Invitae Variant Classification Sherloc (09022015). Collection method: clinical testing. Allele origin: germline.
Comment: This sequence change replaces glycine, which is neutral and non-polar, with tryptophan, which is neutral and slightly polar, at codon 104 of the DNMT3A protein (p.Gly104Trp). This variant is not present in population databases (gnomAD no frequency). This variant has not been reported in the literature in individuals affected with DNMT3A-related conditions. Invitae Evidence Modeling of protein sequence and biophysical properties (such as structural, functional, and spatial information, amino acid conservation, physicochemical variation, residue mobility, and thermodynamic stability) indicates that this missense variant is not expected to disrupt DNMT3A protein function with a negative predictive value of 95%. In summary, the available evidence is currently insufficient to determine the role of this variant in disease. Therefore, it has been classified as a Variant of Uncertain Significance.